The following is an entry in ClinVar:

ClinVar aggregate classification (germline): Uncertain significance (1 of 4 stars; one submission).

Conditions:
Developmental and epileptic encephalopathy 104 (DEE104). Identifiers: MedGen C5774183, MONDO:0031021, OMIM 619970.

gnomAD v4.1: 36 of 1,612,870 alleles (0.0022%); highest among the groups gnomAD compares: Admixed American, 0.012%; no homozygotes.

Submission:

Dasa
Classification: Uncertain significance for Developmental and epileptic encephalopathy 104. Last evaluated: 2025-11-08. Review status: criteria provided, single submitter. Criteria: DASA Assertion Criteria. Collection method: clinical testing. Allele origin: germline.
Comment: NM_001130021.3(ATP6V0A1):c.146G>A (p.Arg49Gln) is a missense variant that results in the substitution of arginine with glutamine. This variant is rare in population databases. Computational prediction algorithms are consistent with a deleterious effect. The currently available literature and clinical evidence are not sufficient to establish a definitive association between this variant and the reported condition. Therefore, this variant is classified as a variant of uncertain significance.

NM_001130021.3(ATP6V0A1):c.146G>A (p.Arg49Gln)

Gene: ATP6V0A1 (ATPase H+ transporting V0 subunit a1; plus strand). Cytogenetic location: 17q21.2.
Variant type: single nucleotide variant.
Coding change: c.146G>A on transcript NM_001130021.3 (MANE Select); coding-DNA position 146, G replaced by A.
Protein change: p.Arg49Gln; replaces arginine 49 with glutamine.
Molecular consequence: missense variant. On other transcripts: 5 prime UTR variant (2).
Genome position (GRCh38, 1-based): chr17:42,466,457, G>A. VCF-style: chr17-42466457-G-A. GRCh37 (hg19) VCF-style: chr17-40618475-G-A.
Other names: c.146G>A, p.Arg49Gln (NM_001130020.3, NM_001378522.1, NM_001378523.1 and 25 more transcripts); c.-35G>A (NM_001378543.1, NM_001378549.1); short protein forms R49Q.
Identifiers: ClinVar variation 4883364 (VCV004883364.2).
Genomic context (GRCh38, chr17:42,466,457, plus strand): 5'-TCAATGTTTGGTATTGTGTTTTTATTTTTCAGTTAAATCCAGATGTGAATGTTTTCCAAC[G>A]GAAATTTGTGAATGAAGTTAGAAGATGTGAAGAAATGGATCGAAAGCTTCGTATGTGCAC-3'
Protein context (NP_001123493.1, residues 39-59): DLNPDVNVFQ[Arg49Gln]KFVNEVRRCE